The following is an entry in ClinVar:

NM_014467.3(SRPX2):c.943T>C (p.Ser315Pro)

Gene: SRPX2 (sushi repeat containing protein X-linked 2; plus strand). Cytogenetic location: Xq22.1.
Variant type: single nucleotide variant.
Coding change: c.943T>C on transcript NM_014467.3 (MANE Select); coding-DNA position 943, T replaced by C.
Protein change: p.Ser315Pro; replaces serine 315 with proline.
Molecular consequence: missense variant.
Genome position (GRCh38, 1-based): chrX:100,666,915, T>C. VCF-style: chrX-100666915-T-C. GRCh37 (hg19) VCF-style: chrX-99921912-T-C.
Other names: short protein forms S315P.
Identifiers: ClinVar variation 207394 (VCV000207394.2), dbSNP rs796053344, ClinGen allele CA318813.
Genomic context (GRCh38, chrX:100,666,915, plus strand): 5'-GGTTATGATCGCCAGGGGACACCCTCCCGGGTCTGTCAGTCCAGCCGCCAGTGGTCAGGT[T>C]CACCACCAATCTGTGCTCGTGAGTGAAACCGGGGAATGGGGCAAGTGGATGTGGTGATCA-3'
Protein context (NP_055282.1, residues 305-325): VCQSSRQWSG[Ser315Pro]PPICAPMKIN

ClinVar aggregate classification (germline): Uncertain significance (1 of 4 stars; one submission).

Allele frequency attached by ClinVar (database versions not stated): gnomAD 0.00001 and 0.00005.
gnomAD v4.1: 1 of 1,208,292 alleles (0.000083%); highest among the groups gnomAD compares: Admixed American, 0.0022%; no homozygotes.

Submission:

GeneDx
Classification: Uncertain significance. Last evaluated: 2015-12-14. Review status: criteria provided, single submitter. Criteria: GeneDx Variant Classification (06012015). Collection method: clinical testing. Allele origin: germline. Affected: yes.
Comment: p.Ser315Pro (TCA>CCA): c.943 T>C in exon 8 in the SRPX2 gene (NM_014467.2). The S315P variant in the SRPX2 gene has not been reported previously as a disease-causing mutation nor as a benign polymorphism, to our knowledge. This variant is a non-conservative amino acid substitution of a neutral, polar Serine with a non-polar Proline at a residue that is conserved in most mammals. In silico analysis predicts this variant likely has a benign effect on the protein structure/function. The S315P variant was not observed in approximately 5,000 individuals of European and African American ancestry in the NHLBI Exome Sequencing Project, indicating it is not a common benign variant in these populations. We interpret S315P as a variant of unknown significance. The variant is found in SRPX2, panel(s).